The following is an entry in ClinVar:

ClinVar aggregate classification (germline): Uncertain significance (1 of 4 stars; one submission).

Conditions:
Hereditary cancer-predisposing syndrome. Also called: Hereditary neoplastic syndrome; Hereditary Cancer Syndrome; Neoplastic Syndromes, Hereditary; Tumor predisposition. Identifiers: Orphanet 140162, MedGen C0027672, MeSH D009386, MONDO:0015356.

Submission:

Ambry Genetics
Classification: Uncertain significance for Hereditary cancer-predisposing syndrome. Last evaluated: 2023-05-21. Review status: criteria provided, single submitter. Criteria: Ambry Variant Classification Scheme 2023. Collection method: clinical testing. Allele origin: germline.
Comment: The p.G1420A variant (also known as c.4259G>C), located in coding exon 29 of the ALK gene, results from a G to C substitution at nucleotide position 4259. The glycine at codon 1420 is replaced by alanine, an amino acid with similar properties. This amino acid position is conserved. In addition, this alteration is predicted to be tolerated by in silico analysis. Since supporting evidence is limited at this time, the clinical significance of this alteration remains unclear.

NM_004304.5(ALK):c.4259G>C (p.Gly1420Ala)

Gene: ALK (ALK receptor tyrosine kinase; minus strand). Cytogenetic location: 2p23.2.
Variant type: single nucleotide variant.
Coding change: c.4259G>C on transcript NM_004304.5 (MANE Select); coding-DNA position 4259, G replaced by C.
Protein change: p.Gly1420Ala; replaces glycine 1420 with alanine.
Molecular consequence: missense variant.
Genome position (GRCh38, 1-based): chr2:29,193,828, C>G on the plus strand (G>C on the coding strand, the complement: ALK is on the minus strand). VCF-style: chr2-29193828-C-G. GRCh37 (hg19) VCF-style: chr2-29416694-C-G.
Other names: c.1055G>C, p.Gly352Ala (NM_001353765.2); short protein forms G1420A, G352A.
Identifiers: ClinVar variation 2566599 (VCV002566599.2), dbSNP rs200470125, ClinGen allele CA346462981.